The following is an entry in ClinVar:

ClinVar aggregate classification (germline): Uncertain significance. Review status: criteria provided, multiple submitters, no conflicts (2 of 4 stars). 6 submissions from 6 submitters: Uncertain significance (6). Last evaluated 2026-01-14.

Conditions:
Cardiovascular phenotype. Identifiers: MedGen CN230736.
Arrhythmogenic right ventricular cardiomyopathy (ARVD). Also called: Arrhythmogenic cardiomyopathy; Arrhythmogenic Right Ventricular Cardiomyopathy (ARVC); Cardiomyopathy, ARVC; Arrhythmogenic right ventricular dysplasia. Identifiers: Orphanet 247, MedGen C0349788, MeSH D019571, MONDO:0016587. Disease mechanism: loss of function. Inheritance: Various modes of inheritance.
Cardiomyopathy (CMYO). Also called: Cardiomyopathies. Identifiers: Orphanet 167848, MedGen C0878544, MONDO:0004994, HP:0001638. Inheritance: Various modes of inheritance.
Arrhythmogenic right ventricular dysplasia 10. Also called: Arrhythmogenic right ventricular dysplasia/cardiomyopathy, type 10; Arrhythmogenic Right Ventricular Dysplasia/Cardiomyopathy10; ARRHYTHMOGENIC RIGHT VENTRICULAR DYSPLASIA, FAMILIAL, 10. Identifiers: MedGen C1857777, MONDO:0012434, OMIM 610193.

Allele frequency attached by ClinVar (database versions not stated): gnomAD exomes below 0.00001 and 0.00001; ExAC 0.00001; gnomAD 0.00001; TOPMed 0.00001.

Submissions (6):

Women's Health and Genetics/Laboratory Corporation of America, LabCorp
Classification: Uncertain significance. Last evaluated: 2026-01-14. Review status: criteria provided, single submitter. Criteria: LabCorp Variant Classification Summary - May 2015. Collection method: clinical testing. Allele origin: germline.
Comment: Variant summary: DSG2 c.889G>A (p.Asp297Asn) results in a conservative amino acid change in the encoded protein sequence. Algorithms developed to predict the effect of missense changes on protein structure and function are either unavailable or do not agree on the potential impact of this missense change. The variant allele was found at a frequency of 8e-06 in 249388 control chromosomes. The available data on variant occurrences in the general population are insufficient to allow any conclusion about variant significance. c.889G>A has been observed in individuals affected with Arrhythmogenic Right Ventricular Dysplasia/Cardiomyopathy, including one homozygote and one individual who also harbored a pathogenic variant in PKP2 (e.g. Bhuiyan_2009, Tan_2010, Kapplinger_2011, Garcia-Cano_2024, Chen_2025). These reports do not provide unequivocal conclusions about association of the variant with Arrhythmogenic Right Ventricular Dysplasia/Cardiomyopathy. To our knowledge, no experimental evidence demonstrating an impact on protein function has been reported. The following publications have been ascertained in the context of this evaluation (PMID: 20031616, 40123482, 38435382, 21636032, 20857253). ClinVar contains an entry for this variant (Variation ID: 199804). Based on the evidence outlined above, the variant was classified as uncertain significance.

Labcorp Genetics (formerly Invitae), Labcorp
Classification: Uncertain significance for Arrhythmogenic right ventricular dysplasia 10. Last evaluated: 2025-12-14. Review status: criteria provided, single submitter. Criteria: Invitae Variant Classification Sherloc (09022015). Collection method: clinical testing. Allele origin: germline.
Comment: This sequence change replaces aspartic acid, which is acidic and polar, with asparagine, which is neutral and polar, at codon 297 of the DSG2 protein (p.Asp297Asn). This variant is present in population databases (rs751012696, gnomAD 0.006%). This missense change has been observed in individual(s) with arrhythmogenic right ventriculardysplasia (ARVD) (PMID: 20031616, 20857253). ClinVar contains an entry for this variant (Variation ID: 199804). Invitae Evidence Modeling of protein sequence and biophysical properties (such as structural, functional, and spatial information, amino acid conservation, physicochemical variation, residue mobility, and thermodynamic stability) has been performed for this missense variant. However, the output from this modeling did not meet the statistical confidence thresholds required to predict the impact of this variant on DSG2 protein function. In summary, the available evidence is currently insufficient to determine the role of this variant in disease. Therefore, it has been classified as a Variant of Uncertain Significance.

All of Us Research Program, National Institutes of Health
Classification: Uncertain significance for Arrhythmogenic right ventricular cardiomyopathy. Last evaluated: 2024-09-23. Review status: criteria provided, single submitter. Criteria: ACMG Guidelines, 2015. Collection method: clinical testing. Allele origin: germline. Inheritance: Autosomal dominant inheritance. Observed: 6 variant alleles, 6 heterozygotes.
Comment: This missense variant replaces aspartic acid with asparagine at codon 297 of the DSG2 protein. Computational prediction is inconclusive regarding the impact of this variant on protein structure and function (internally defined REVEL score threshold 0.5 < inconclusive < 0.7, PMID: 27666373). To our knowledge, functional studies have not been reported for this variant. This variant has been reported in two individuals affected with arrhythmogenic right ventricular cardiomyopathy (PMID: 20031616, 20857253). One of these individuals was homozygous for this variant (PMID: 20031616). This variant has been reported in an individual affected with arrhythmogenic cardiomyopathy (Carrillo-Aleman et al. 2019, doi: 10.1093/ehjci/jez110.005). Two relative carriers were also affected while another adult carrier was normal in the family. This variant has been identified in 3/280790 chromosomes in the general population by the Genome Aggregation Database (gnomAD). The available evidence is insufficient to determine the role of this variant in disease conclusively. Therefore, this variant is classified as a Variant of Uncertain Significance.

This study involves interpretation of variants in research participants for the purpose of population health screening. Participant phenotype was not available at the time of variant classification. Additional details can be found in publication PMID: 35346344, PMCID: PMC8962531

Color Diagnostics, LLC DBA Color Health
Classification: Uncertain significance for Cardiomyopathy. Last evaluated: 2024-04-16. Review status: criteria provided, single submitter. Criteria: ACMG Guidelines, 2015. Collection method: clinical testing. Allele origin: germline.
Comment: This missense variant replaces aspartic acid with asparagine at codon 297 of the DSG2 protein. Computational prediction is inconclusive regarding the impact of this variant on protein structure and function. To our knowledge, functional studies have not been reported for this variant. This variant has been reported in two individuals affected with arrhythmogenic right ventricular cardiomyopathy (PMID: 20031616, 20857253). One of these individuals was homozygous for this variant (PMID: 20031616). This variant has been reported in an individual affected with arrhythmogenic cardiomyopathy (Carrillo-Aleman et al. 2019, doi: 10.1093/ehjci/jez110.005). Two relative carriers were also affected while another adult carrier was normal in the family. This variant has been identified in 3/280790 chromosomes in the general population by the Genome Aggregation Database (gnomAD). The available evidence is insufficient to determine the role of this variant in disease conclusively. Therefore, this variant is classified as a Variant of Uncertain Significance.

Ambry Genetics
Classification: Uncertain significance for Cardiovascular phenotype. Last evaluated: 2022-04-06. Review status: criteria provided, single submitter. Criteria: Ambry Variant Classification Scheme 2023. Collection method: clinical testing. Allele origin: germline.
Comment: The p.D297N variant (also known as c.889G>A), located in coding exon 8 of the DSG2 gene, results from a G to A substitution at nucleotide position 889. The aspartic acid at codon 297 is replaced by asparagine, an amino acid with highly similar properties. This alteration has been reported in individuals from arrhythmogenic right ventricular cardiomyopathy (ARVC) cohorts, including one homozygous case and one case with an additional PKP2 variant detected (Bhuiyan ZA et al. Circ Cardiovasc Genet, 2009 Oct;2:418-27; Tan BY et al. J Cardiovasc Transl Res, 2010 Dec;3:663-73; Cox MG et al. Circulation, 2011 Jun;123:2690-700). This variant has also been detected in a cardiomyopathy genetic testing cohort; however, clinical details were limited, and additional cardiac variants were detected (van Lint FHM et al. Neth Heart J, 2019 Jun;27:304-309). This amino acid position is highly conserved in available vertebrate species. In addition, the in silico prediction for this alteration is inconclusive. Since supporting evidence is limited at this time, the clinical significance of this alteration remains unclear.

GeneDx
Classification: Uncertain significance. Last evaluated: 2017-04-18. Review status: criteria provided, single submitter. Criteria: GeneDx Variant Classification (06012015). Collection method: clinical testing. Allele origin: germline. Affected: yes.
Comment: The D297N variant in the DSG2 gene has been reported in association with ARVC (Bhuiyan et al., 2009; Tan et al., 2010). Another variant at this same residue (D297G) and variants in nearby residues (K294E) have been reported in HGMD in association with ARVC (Stenson et al., 2014). Furthermore, D297N was not observed in approximately 6,000 individuals of European and African American ancestry in the NHLBI Exome Sequencing Project, indicating it is not a common benign variant in these populations. However, Cox et al. reported the D297N substitution as an unclassified variant based on in silico predictors being inconsistent (Cox et al., 2011).In summary, while there have been at least two published reports indicating an association between the D297N variant and ARVC, additional evidence is needed to determine whether this variant is pathogenic or benign.

Literature cited by the submitters: PubMed 20031616 (cited by 5 submitters); PubMed 20857253 (cited by 5 submitters); PubMed 21636032 (cited by Women's Health and Genetics/Laboratory Corporation of America, LabCorp); PubMed 40123482 (cited by Women's Health and Genetics/Laboratory Corporation of America, LabCorp); PubMed 38435382 (cited by Women's Health and Genetics/Laboratory Corporation of America, LabCorp); PubMed 21606396 (cited by Ambry Genetics); PubMed 25820315 (cited by Ambry Genetics); PubMed 28588093 (cited by Ambry Genetics); PubMed 30847666 (cited by Ambry Genetics).

NM_001943.5(DSG2):c.889G>A (p.Asp297Asn)

Gene: DSG2 (desmoglein 2; plus strand). Cytogenetic location: 18q12.1.
Variant type: single nucleotide variant.
Coding change: c.889G>A on transcript NM_001943.5 (MANE Select); coding-DNA position 889, G replaced by A.
Protein change: p.Asp297Asn; replaces aspartic acid 297 with asparagine.
Molecular consequence: missense variant.
Genome position (GRCh38, 1-based): chr18:31,524,763, G>A. VCF-style: chr18-31524763-G-A. GRCh37 (hg19) VCF-style: chr18-29104726-G-A.
Other names: p.D297N:GAT>AAT; c.889G>A (LRG_397t1); short protein forms D297N.
Identifiers: ClinVar variation 199804 (VCV000199804.19), dbSNP rs751012696, ClinGen allele CA022349.